The following is an entry in ClinVar:

NM_182961.4(SYNE1):c.6406A>C (p.Asn2136His)

Gene: SYNE1 (spectrin repeat containing nuclear envelope protein 1; minus strand). Cytogenetic location: 6q25.2.
Variant type: single nucleotide variant.
Coding change: c.6406A>C on transcript NM_182961.4 (MANE Select); coding-DNA position 6406, A replaced by C.
Protein change: p.Asn2136His; replaces asparagine 2136 with histidine.
Molecular consequence: missense variant.
Genome position (GRCh38, 1-based): chr6:152,409,202, T>G on the plus strand (A>C on the coding strand, the complement: SYNE1 is on the minus strand). VCF-style: chr6-152409202-T-G. GRCh37 (hg19) VCF-style: chr6-152730337-T-G.
Other names: c.6427A>C, p.Asn2143His (NM_033071.5); short protein forms N2136H, N2143H.
Identifiers: ClinVar variation 4530993 (VCV004530993.1).

ClinVar aggregate classification (germline): Uncertain significance (1 of 4 stars; one submission).

gnomAD v4.1: 3 of 1,614,034 alleles (0.00019%); highest among the groups gnomAD compares: East Asian, 0.0067%; no homozygotes.

Submission:

GeneDx
Classification: Uncertain significance. Last evaluated: 2025-05-19. Review status: criteria provided, single submitter. Criteria: GeneDx Variant Classification Process June 2021. Collection method: clinical testing. Allele origin: germline. Affected: yes.
Comment: Not observed at significant frequency in large population cohorts (gnomAD); In silico analysis supports that this missense variant has a deleterious effect on protein structure/function; Has not been previously published as pathogenic or benign to our knowledge